The following is an entry in ClinVar:

ClinVar aggregate classification (germline): Conflicting classifications of pathogenicity. Review status: criteria provided, conflicting classifications (1 of 4 stars). 3 submissions from 3 submitters: Uncertain significance (2); Likely benign (1). Last evaluated 2025-07-29.

Conditions:
Hereditary cancer-predisposing syndrome. Also called: Hereditary neoplastic syndrome; Tumor predisposition; Neoplastic Syndromes, Hereditary; Hereditary Cancer Syndrome. Identifiers: Orphanet 140162, MedGen C0027672, MeSH D009386, MONDO:0015356.
Hereditary breast ovarian cancer syndrome. Also called: Hereditary breast and ovarian cancer; Breast and ovarian cancer; BRCA1- and BRCA2-Associated Hereditary Breast and Ovarian Cancer; Hereditary breast and/or ovarian cancer syndrome; Hereditary breast and ovarian cancer syndrome; Hereditary breast and ovarian cancer syndrome (HBOC). Identifiers: Orphanet 145, MedGen C0677776, MeSH D061325, MONDO:0003582. Disease mechanism: loss of function.

Submissions (3):

Ambry Genetics
Classification: Uncertain significance for Hereditary cancer-predisposing syndrome. Last evaluated: 2025-07-29. Review status: criteria provided, single submitter. Criteria: Ambry Variant Classification Scheme 2023. Collection method: clinical testing. Allele origin: germline.
Comment: The p.I1026T variant (also known as c.3077T>C), located in coding exon 9 of the BRCA1 gene, results from a T to C substitution at nucleotide position 3077. The isoleucine at codon 1026 is replaced by threonine, an amino acid with similar properties. This amino acid position is not well conserved in available vertebrate species. In addition, the in silico prediction for this alteration is inconclusive. Based on the available evidence, the clinical significance of this variant remains unclear.

University of Washington Department of Laboratory Medicine, University of Washington
Classification: Likely benign for Hereditary cancer-predisposing syndrome. Last evaluated: 2023-03-23. Review status: criteria provided, single submitter. Criteria: Dines et al. (Genet Med. 2020). Collection method: curation. Allele origin: germline.
Comment: Missense variant in a coldspot region where missense variants are very unlikely to be pathogenic (PMID:31911673).

BRCA1 coldspot (exon 11 using historical exon numbering). Reclassification based on statistical prior probability

Labcorp Genetics (formerly Invitae), Labcorp
Classification: Uncertain significance for Hereditary breast ovarian cancer syndrome. Last evaluated: 2021-11-17. Review status: criteria provided, single submitter. Criteria: Invitae Variant Classification Sherloc (09022015). Collection method: clinical testing. Allele origin: germline.
Comment: In summary, the available evidence is currently insufficient to determine the role of this variant in disease. Therefore, it has been classified as a Variant of Uncertain Significance. Advanced modeling of protein sequence and biophysical properties (such as structural, functional, and spatial information, amino acid conservation, physicochemical variation, residue mobility, and thermodynamic stability) performed at Invitae indicates that this missense variant is not expected to disrupt BRCA1 protein function. This variant has not been reported in the literature in individuals affected with BRCA1-related conditions. This variant is not present in population databases (gnomAD no frequency). This sequence change replaces isoleucine, which is neutral and non-polar, with threonine, which is neutral and polar, at codon 1026 of the BRCA1 protein (p.Ile1026Thr).

NM_007294.4(BRCA1):c.3077T>C (p.Ile1026Thr)

Gene: BRCA1 (BRCA1 DNA repair associated; minus strand). Cytogenetic location: 17q21.31.
Variant type: single nucleotide variant.
Coding change: c.3077T>C on transcript NM_007294.4 (MANE Select); coding-DNA position 3077, T replaced by C.
Protein change: p.Ile1026Thr; replaces isoleucine 1026 with threonine.
Molecular consequence: missense variant. On other transcripts: intron variant (137).
Genome position (GRCh38, 1-based): chr17:43,092,454, A>G on the plus strand (T>C on the coding strand, the complement: BRCA1 is on the minus strand). VCF-style: chr17-43092454-A-G. GRCh37 (hg19) VCF-style: chr17-41244471-A-G.
Other names: c.2864T>C, p.Ile955Thr (NM_001407571.1, NM_001407853.1, NM_001407894.1 and 9 more transcripts); c.3077T>C, p.Ile1026Thr (NM_001407581.1, NM_001407582.1, NM_001407583.1 and 30 more transcripts); c.3074T>C, p.Ile1025Thr (NM_001407587.1, NM_001407590.1, NM_001407591.1 and 22 more transcripts); c.3068T>C, p.Ile1023Thr (NM_001407646.1, NM_001407647.1); c.2954T>C, p.Ile985Thr (NM_001407648.1, NM_001407664.1, NM_001407665.1 and 19 more transcripts); c.2951T>C, p.Ile984Thr (NM_001407649.1, NM_001407685.1, NM_001407686.1 and 11 more transcripts); c.2999T>C, p.Ile1000Thr (NM_001407653.1, NM_001407654.1, NM_001407655.1 and 4 more transcripts); c.2996T>C, p.Ile999Thr (NM_001407659.1, NM_001407660.1, NM_001407661.1 and 1 more transcripts); and 41 more; short protein forms I1026T, I979T, I1023T, I899T, I915T, I955T, I914T, I937T.
Identifiers: ClinVar variation 1504250 (VCV001504250.10), dbSNP rs2154343607, ClinGen allele CA10595835.
Genomic context (GRCh38, chr17:43,092,454, plus strand): 5'-TCATTAATATTGCTTGAGCTGGCTTCTTTAAAAACATTTTCTCTAATGTTATTACGGCTA[A>G]TTGTGCTCACTGTACTTGGAATGTTCTCATTTCCCATTTCTCTTTCAGGTGACATTGAAT-3'
Protein context (NP_009225.1, residues 1016-1036): NENIPSTVST[Ile1026Thr]SRNNIRENVF